The following is an entry in ClinVar:

NM_001012968.3(SPIN4):c.488A>C (p.Tyr163Ser)

Genes: SPIN4 (spindlin family member 4; minus strand), SPIN4-AS1 (SPIN4 antisense RNA 1; plus strand). Cytogenetic location: Xq11.1.
Variant type: single nucleotide variant.
Coding change: c.488A>C on transcript NM_001012968.3 (MANE Select); coding-DNA position 488, A replaced by C.
Protein change: p.Tyr163Ser; replaces tyrosine 163 with serine.
Molecular consequence: missense variant.
Genome position (GRCh38, 1-based): chrX:63,350,332, T>G on the plus strand (A>C on the coding strand, the complement: SPIN4 is on the minus strand). VCF-style: chrX-63350332-T-G. GRCh37 (hg19) VCF-style: chrX-62570211-T-G.
Other names: short protein forms Y163S.
Identifiers: ClinVar variation 4085442 (VCV004085442.8).

ClinVar aggregate classification (germline): Uncertain significance (1 of 4 stars; one submission).

Submission:

CeGaT Center for Human Genetics Tuebingen
Classification: Uncertain significance. Last evaluated: 2025-07-01. Review status: criteria provided, single submitter. Criteria: CeGaT Center For Human Genetics Tuebingen Variant Classification Criteria Version 2. Collection method: clinical testing. Allele origin: germline. Affected: yes. Observed: 1 variant allele.
Comment: SPIN4: PM2